The following is an entry in ClinVar:

ClinVar aggregate classification (germline): Uncertain significance (1 of 4 stars; one submission).

Allele frequency attached by ClinVar (database versions not stated): ExAC 0.00001; TOPMed 0.00001.

Submission:

Labcorp Genetics (formerly Invitae), Labcorp
Classification: Uncertain significance. Last evaluated: 2022-04-24. Review status: criteria provided, single submitter. Criteria: Invitae Variant Classification Sherloc (09022015). Collection method: clinical testing. Allele origin: germline.
Comment: This sequence change replaces lysine, which is basic and polar, with asparagine, which is neutral and polar, at codon 430 of the LPL protein (p.Lys430Asn). This variant is present in population databases (rs767740111, gnomAD no frequency). This variant has not been reported in the literature in individuals affected with LPL-related conditions. Algorithms developed to predict the effect of missense changes on protein structure and function (SIFT, PolyPhen-2, Align-GVGD) all suggest that this variant is likely to be tolerated. In summary, the available evidence is currently insufficient to determine the role of this variant in disease. Therefore, it has been classified as a Variant of Uncertain Significance.

NM_000237.3(LPL):c.1290G>T (p.Lys430Asn)

Gene: LPL (lipoprotein lipase; plus strand). Cytogenetic location: 8p21.3.
Variant type: single nucleotide variant.
Coding change: c.1290G>T on transcript NM_000237.3 (MANE Select); coding-DNA position 1290, G replaced by T.
Protein change: p.Lys430Asn; replaces lysine 430 with asparagine.
Molecular consequence: missense variant.
Genome position (GRCh38, 1-based): chr8:19,961,051, G>T. VCF-style: chr8-19961051-G-T. GRCh37 (hg19) VCF-style: chr8-19818562-G-T.
Other names: short protein forms K430N.
Identifiers: ClinVar variation 1947350 (VCV001947350.2), dbSNP rs767740111, ClinGen allele CA4655690.